The following is an entry in ClinVar:

NM_000553.6(WRN):c.187T>A (p.Ser63Thr)

Gene: WRN (WRN RecQ like helicase; plus strand). Cytogenetic location: 8p12.
Variant type: single nucleotide variant.
Coding change: c.187T>A on transcript NM_000553.6 (MANE Select); coding-DNA position 187, T replaced by A.
Protein change: p.Ser63Thr; replaces serine 63 with threonine.
Molecular consequence: missense variant.
Genome position (GRCh38, 1-based): chr8:31,059,243, T>A. VCF-style: chr8-31059243-T-A. GRCh37 (hg19) VCF-style: chr8-30916759-T-A.
Other names: short protein forms S63T.
Identifiers: ClinVar variation 1478887 (VCV001478887.8), dbSNP rs1554518310, ClinGen allele CA370912673.

ClinVar aggregate classification (germline): Uncertain significance (1 of 4 stars; one submission).

Conditions:
Werner syndrome (WRN). Identifiers: Orphanet 902, MedGen C0043119, MONDO:0010196, OMIM 277700.

Allele frequency attached by ClinVar (database versions not stated): gnomAD exomes below 0.00001.
gnomAD v4.1: 2 of 1,613,724 alleles (0.00012%); highest among the groups gnomAD compares: Non-Finnish European, 0.00017%; no homozygotes.

Submission:

Labcorp Genetics (formerly Invitae), Labcorp
Classification: Uncertain significance for Werner syndrome. Last evaluated: 2023-04-06. Review status: criteria provided, single submitter. Criteria: Invitae Variant Classification Sherloc (09022015). Collection method: clinical testing. Allele origin: germline.
Comment: This sequence change replaces serine, which is neutral and polar, with threonine, which is neutral and polar, at codon 63 of the WRN protein (p.Ser63Thr). This variant is not present in population databases (gnomAD no frequency). This variant has not been reported in the literature in individuals affected with WRN-related conditions. ClinVar contains an entry for this variant (Variation ID: 1478887). An algorithm developed to predict the effect of missense changes on protein structure and function (PolyPhen-2) suggests that this variant is likely to be disruptive. In summary, the available evidence is currently insufficient to determine the role of this variant in disease. Therefore, it has been classified as a Variant of Uncertain Significance.